The following is an entry in ClinVar:

ClinVar aggregate classification (germline): Uncertain significance (1 of 4 stars; one submission).

Allele frequency attached by ClinVar (database versions not stated): gnomAD exomes below 0.00001; ExAC 0.00001; gnomAD 0.00001; 1000 Genomes Project 0.00026; 1000 Genomes Project 30x 0.00042.

Submission:

Labcorp Genetics (formerly Invitae), Labcorp
Classification: Uncertain significance. Last evaluated: 2022-08-26. Review status: criteria provided, single submitter. Criteria: Invitae Variant Classification Sherloc (09022015). Collection method: clinical testing. Allele origin: germline.
Comment: In summary, the available evidence is currently insufficient to determine the role of this variant in disease. Therefore, it has been classified as a Variant of Uncertain Significance. Algorithms developed to predict the effect of missense changes on protein structure and function output the following: SIFT: "Tolerated"; PolyPhen-2: "Benign"; Align-GVGD: "Class C0". The serine amino acid residue is found in multiple mammalian species, which suggests that this missense change does not adversely affect protein function. This variant has not been reported in the literature in individuals affected with AMER1-related conditions. This variant is present in population databases (rs756860796, gnomAD 0.005%), including at least one homozygous and/or hemizygous individual. This sequence change replaces alanine, which is neutral and non-polar, with serine, which is neutral and polar, at codon 689 of the AMER1 protein (p.Ala689Ser).

NM_152424.4(AMER1):c.2065G>T (p.Ala689Ser)

Gene: AMER1 (APC membrane recruitment protein 1; minus strand). Cytogenetic location: Xq11.2.
Variant type: single nucleotide variant.
Coding change: c.2065G>T on transcript NM_152424.4 (MANE Select); coding-DNA position 2065, G replaced by T.
Protein change: p.Ala689Ser; replaces alanine 689 with serine.
Molecular consequence: missense variant.
Genome position (GRCh38, 1-based): chrX:64,191,222, C>A on the plus strand (G>T on the coding strand, the complement: AMER1 is on the minus strand). VCF-style: chrX-64191222-C-A. GRCh37 (hg19) VCF-style: chrX-63411102-C-A.
Other names: short protein forms A689S.
Identifiers: ClinVar variation 1963745 (VCV001963745.5), dbSNP rs756860796, ClinGen allele CA10432242.
Genomic context (GRCh38, chrX:64,191,222, plus strand): 5'-AGGTTCCTTCATAACGCTTCTCCAGAGGACGGAAGTCCCTCCAGTCTGGCTCGCTGCTTG[C>A]AGTGGTGGGGAAAGCTGAGGTAATTCCCCGGTGGGAAATCTGAGAGGTCCCTGATACCCC-3'
Protein context (NP_689637.3, residues 679-699): RGITSAFPTT[Ala689Ser]SSEPDWRDFR